The following is an entry in ClinVar:

ClinVar aggregate classification (germline): Uncertain significance. Review status: criteria provided, multiple submitters, no conflicts (2 of 4 stars). 2 submissions from 2 submitters: Uncertain significance (2). Last evaluated 2025-02-28.

Conditions:
Inborn genetic diseases. Identifiers: MedGen C0950123, MeSH D030342.

gnomAD v4.1: 2 of 1,613,924 alleles (0.00012%); highest among the groups gnomAD compares: Non-Finnish European, 0.00017%; no homozygotes.

Submissions (2):

Ambry Genetics
Classification: Uncertain significance for Inborn genetic diseases. Last evaluated: 2025-02-28. Review status: criteria provided, single submitter. Criteria: Ambry Variant Classification Scheme 2023. Collection method: clinical testing. Allele origin: germline.
Comment: The p.L69V variant (also known as c.205C>G), located in coding exon 2 of the ERCC6L2 gene, results from a C to G substitution at nucleotide position 205. The leucine at codon 69 is replaced by valine, an amino acid with highly similar properties. This amino acid position is conserved. In addition, this alteration is predicted to be tolerated by in silico analysis. Based on the available evidence, the clinical significance of this variant remains unclear.

Labcorp Genetics (formerly Invitae), Labcorp
Classification: Uncertain significance. Last evaluated: 2024-11-27. Review status: criteria provided, single submitter. Criteria: Invitae Variant Classification Sherloc (09022015). Collection method: clinical testing. Allele origin: germline.
Comment: This sequence change replaces leucine, which is neutral and non-polar, with valine, which is neutral and non-polar, at codon 80 of the ERCC6L2 protein (p.Leu80Val). This variant is not present in population databases (gnomAD no frequency). This variant has not been reported in the literature in individuals affected with ERCC6L2-related conditions. ClinVar contains an entry for this variant (Variation ID: 2103059). Experimental studies and prediction algorithms are not available or were not evaluated, and the functional significance of this variant is currently unknown. In summary, the available evidence is currently insufficient to determine the role of this variant in disease. Therefore, it has been classified as a Variant of Uncertain Significance.

NM_020207.7(ERCC6L2):c.205C>G (p.Leu69Val)

Gene: ERCC6L2 (ERCC excision repair 6 like 2; plus strand). Cytogenetic location: 9q22.32.
Variant type: single nucleotide variant.
Coding change: c.205C>G on transcript NM_020207.7 (MANE Select); coding-DNA position 205, C replaced by G.
Protein change: p.Leu69Val; replaces leucine 69 with valine.
Molecular consequence: missense variant. On other transcripts: non-coding transcript variant (1).
Genome position (GRCh38, 1-based): chr9:95,881,027, C>G. VCF-style: chr9-95881027-C-G. GRCh37 (hg19) VCF-style: chr9-98643309-C-G.
Other names: c.205C>G, p.Leu69Val (NM_001010895.4, NM_001375291.1, NM_001375292.1 and 2 more transcripts); short protein forms L69V.
Identifiers: ClinVar variation 2103059 (VCV002103059.5), dbSNP rs1348059120, ClinGen allele CA374117150.